The following is an entry in ClinVar:

NM_000092.5(COL4A4):c.2707G>T (p.Gly903Cys)

Gene: COL4A4 (collagen type IV alpha 4 chain; minus strand). Cytogenetic location: 2q36.3.
Variant type: single nucleotide variant.
Coding change: c.2707G>T on transcript NM_000092.5 (MANE Select); coding-DNA position 2707, G replaced by T.
Protein change: p.Gly903Cys; replaces glycine 903 with cysteine.
Molecular consequence: missense variant.
Genome position (GRCh38, 1-based): chr2:227,055,954, C>A on the plus strand (G>T on the coding strand, the complement: COL4A4 is on the minus strand). VCF-style: chr2-227055954-C-A. GRCh37 (hg19) VCF-style: chr2-227920670-C-A.
Other names: short protein forms G903C.
Identifiers: ClinVar variation 4685755 (VCV004685755.1).

ClinVar aggregate classification (germline): Likely pathogenic (1 of 4 stars; one submission).

Submission:

ARUP Laboratories, Molecular Genetics and Genomics, ARUP Laboratories
Classification: Likely pathogenic. Last evaluated: 2024-12-19. Review status: criteria provided, single submitter. Criteria: ARUP Molecular Germline Variant Investigation Process 2024. Collection method: clinical testing. Allele origin: germline.
Comment: The COL4A4 .2707G>T; p.Gly903Cys variant, to our knowledge, is not reported in the medical literature or gene specific databases. This variant is also absent from the Genome Aggregation Database (v2.1.1), indicating it is not a common polymorphism. Computational analyses predict that this variant is deleterious (REVEL: 0.902). This codon is located in a Gly-X-Y triple helix repeat domain, and glycine substitutions are common pathogenic alterations in this gene (Uliana 2021). Additionally, a different missense variant at this codon (p.Gly885Asp) is reported in an individual with chronic kidney disease (Doreille 2022). Based on available information, the p.Gly885Arg variant is considered to be likely pathogenic. References: Savige J et al. Consensus statement on standards and guidelines for the molecular diagnostics of Alport syndrome: refining the ACMG criteria. Eur J Hum Genet. 2021 Aug;29(8):1186-1197. PMID: 33854215. Uliana V et al. Deciphering the pathogenesis of the COL4-related hematuric nephritis: A genotype/phenotype study. Mol Genet Genomic Med. 2021 Feb;9(2):e1576. PMID: 33369211.